The following is an entry in ClinVar:

NM_015450.3(POT1):c.329dup (p.Leu110fs)

Gene: POT1 (protection of telomeres 1; minus strand). Cytogenetic location: 7q31.33.
Variant type: Duplication.
Coding change: c.329dup on transcript NM_015450.3 (MANE Select); coding-DNA position 329, one base duplicated (T; older notation c.329dupT).
Protein change: p.Leu110fs; shifts the reading frame from leucine 110.
Molecular consequence: frameshift variant. On other transcripts: 5 prime UTR variant (1), non-coding transcript variant (3).
Genome position (GRCh38, 1-based): chr7:124,863,567, A duplicated on the plus strand (T on the coding strand, the reverse complement: POT1 is on the minus strand); the first of 3 consecutive A bases (chr7:124,863,567-124,863,569); duplicating any one gives the same sequence. VCF-style (leftmost placement, unchanged base first): chr7-124863566-C-CA. GRCh37 (hg19) VCF-style: chr7-124503620-C-CA.
Other names: c.-65dup (NM_001042594.2); c.329dupT (NM_015450.2); short protein forms L110fs.
Identifiers: ClinVar variation 1052329 (VCV001052329.8), dbSNP rs2116542410, ClinGen allele CA2499218713.

ClinVar aggregate classification (germline): Pathogenic. Review status: criteria provided, multiple submitters, no conflicts (2 of 4 stars). 2 submissions from 2 submitters: Pathogenic (2). Last evaluated 2024-08-21.

Conditions:
Tumor predisposition syndrome 3 (TPDS3). Also called: Melanoma, cutaneous malignant, susceptibility to, 10; Glioma susceptibility 9; LONG TELOMERE SYNDROME, POT1-RELATED; POT1 Tumor Predisposition. Identifiers: Orphanet 618, MedGen C4014476, MONDO:0014368, OMIM 615848.
Hereditary cancer-predisposing syndrome. Also called: Neoplastic Syndromes, Hereditary; Hereditary Cancer Syndrome; Hereditary neoplastic syndrome; Tumor predisposition. Identifiers: Orphanet 140162, MedGen C0027672, MeSH D009386, MONDO:0015356.

Submissions (2):

Labcorp Genetics (formerly Invitae), Labcorp
Classification: Pathogenic for Tumor predisposition syndrome 3. Last evaluated: 2024-08-21. Review status: criteria provided, single submitter. Criteria: Invitae Variant Classification Sherloc (09022015). Collection method: clinical testing. Allele origin: germline.
Comment: This sequence change creates a premature translational stop signal (p.Leu110Phefs*15) in the POT1 gene. It is expected to result in an absent or disrupted protein product. Loss-of-function variants in POT1 are known to be pathogenic (PMID: 32155570). This variant is not present in population databases (gnomAD no frequency). This variant has not been reported in the literature in individuals affected with POT1-related conditions. ClinVar contains an entry for this variant (Variation ID: 1052329). For these reasons, this variant has been classified as Pathogenic.

Ambry Genetics
Classification: Pathogenic for Hereditary cancer-predisposing syndrome. Last evaluated: 2024-05-21. Review status: criteria provided, single submitter. Criteria: Ambry Variant Classification Scheme 2023. Collection method: clinical testing. Allele origin: germline.
Comment: The c.329dupT pathogenic mutation, located in coding exon 4 of the POT1 gene, results from a duplication of T at nucleotide position 329, causing a translational frameshift with a predicted alternate stop codon (p.L110Ffs*15). This variant is considered to be rare based on population cohorts in the Genome Aggregation Database (gnomAD). This alteration is expected to result in loss of function by premature protein truncation or nonsense-mediated mRNA decay. As such, this alteration is interpreted as a disease-causing mutation.

Literature cited by the submitters: PubMed 32155570 (cited by Labcorp Genetics (formerly Invitae), Labcorp).